The following is an entry in ClinVar:

NM_004991.4(MECOM):c.3040C>T (p.His1014Tyr)

Gene: MECOM (MDS1 and EVI1 complex locus; minus strand). Cytogenetic location: 3q26.2.
Variant type: single nucleotide variant.
Coding change: c.3040C>T on transcript NM_004991.4 (MANE Select); coding-DNA position 3040, C replaced by T.
Protein change: p.His1014Tyr; replaces histidine 1014 with tyrosine.
Molecular consequence: missense variant.
Genome position (GRCh38, 1-based): chr3:169,093,082, G>A on the plus strand (C>T on the coding strand, the complement: MECOM is on the minus strand). VCF-style: chr3-169093082-G-A. GRCh37 (hg19) VCF-style: chr3-168810870-G-A.
Other names: c.2671C>T, p.His891Tyr (NM_001105077.4); c.2476C>T, p.His826Tyr (NM_001105078.4, NM_001205194.2, NM_001366469.2 and 1 more transcripts); c.2452C>T, p.His818Tyr (NM_001163999.2, NM_001366470.2); c.2449C>T, p.His817Tyr (NM_001164000.2, NM_001366471.2, NM_001366472.2); c.3013C>T, p.His1005Tyr (NM_001366466.2); c.2479C>T, p.His827Tyr (NM_001366467.2, NM_001366468.2); c.2041C>T, p.His681Tyr (NM_001366473.2); c.1477C>T, p.His493Tyr (NM_001366474.2); short protein forms H826Y, H1005Y, H1014Y, H818Y, H817Y, H493Y, H681Y, H827Y.
Identifiers: ClinVar variation 3394253 (VCV003394253.2).
Genomic context (GRCh38, chr3:169,093,082, plus strand): 5'-CTGTGAAGTAAGCATCTTCTTTGTCATCCAGAATCGCACCTGTACTTTCCAGTTCAGAAT[G>A]AGGCGACGATGTTGCTGTACCTGTGTGGAGCAGAAAGCCTTTTATGACAAAGATTATTGT-3'
Protein context (NP_004982.2, residues 1004-1024): NMSGTATSSP[His1014Tyr]SELESTGAIL

ClinVar aggregate classification (germline): Uncertain significance. Review status: criteria provided, multiple submitters, no conflicts (2 of 4 stars). 2 submissions from 2 submitters: Uncertain significance (2). Last evaluated 2025-08-29.

Conditions:
Inborn genetic diseases. Identifiers: MedGen C0950123, MeSH D030342.

Submissions (2):

Labcorp Genetics (formerly Invitae), Labcorp
Classification: Uncertain significance. Last evaluated: 2025-08-29. Review status: criteria provided, single submitter. Criteria: Invitae Variant Classification Sherloc (09022015). Collection method: clinical testing. Allele origin: germline.
Comment: This sequence change replaces histidine, which is basic and polar, with tyrosine, which is neutral and polar, at codon 826 of the MECOM protein (p.His826Tyr). This variant is not present in population databases (gnomAD no frequency). This variant has not been reported in the literature in individuals affected with MECOM-related conditions. ClinVar contains an entry for this variant (Variation ID: 3394253). An algorithm developed to predict the effect of missense changes on protein structure and function (PolyPhen-2) suggests that this variant is likely to be disruptive. In summary, the available evidence is currently insufficient to determine the role of this variant in disease. Therefore, it has been classified as a Variant of Uncertain Significance.

Ambry Genetics
Classification: Uncertain significance for Inborn genetic diseases. Last evaluated: 2024-11-18. Review status: criteria provided, single submitter. Criteria: Ambry Variant Classification Scheme 2023. Collection method: clinical testing. Allele origin: germline.
Comment: The p.H1014Y variant (also known as c.3040C>T), located in coding exon 14 of the MECOM gene, results from a C to T substitution at nucleotide position 3040. The histidine at codon 1014 is replaced by tyrosine, an amino acid with similar properties. This amino acid position is conserved. In addition, this alteration is predicted to be tolerated by in silico analysis. Based on the available evidence, the clinical significance of this variant remains unclear.